The following is an entry in ClinVar:

ClinVar aggregate classification (germline): Uncertain significance (1 of 4 stars; one submission).

Submission:

Labcorp Genetics (formerly Invitae), Labcorp
Classification: Uncertain significance. Last evaluated: 2022-07-06. Review status: criteria provided, single submitter. Criteria: Invitae Variant Classification Sherloc (09022015). Collection method: clinical testing. Allele origin: germline.
Comment: In summary, the available evidence is currently insufficient to determine the role of this variant in disease. Therefore, it has been classified as a Variant of Uncertain Significance. Algorithms developed to predict the effect of missense changes on protein structure and function (SIFT, PolyPhen-2, Align-GVGD) all suggest that this variant is likely to be tolerated. ClinVar contains an entry for this variant (Variation ID: 1425343). This variant has not been reported in the literature in individuals affected with BACH2-related conditions. This variant is not present in population databases (gnomAD no frequency). This sequence change replaces alanine, which is neutral and non-polar, with serine, which is neutral and polar, at codon 418 of the BACH2 protein (p.Ala418Ser).

NM_021813.4(BACH2):c.1252G>T (p.Ala418Ser)

Gene: BACH2 (BACH transcriptional regulator 2; minus strand). Cytogenetic location: 6q15.
Variant type: single nucleotide variant.
Coding change: c.1252G>T on transcript NM_021813.4 (MANE Select); coding-DNA position 1252, G replaced by T.
Protein change: p.Ala418Ser; replaces alanine 418 with serine.
Molecular consequence: missense variant.
Genome position (GRCh38, 1-based): chr6:89,950,854, C>A on the plus strand (G>T on the coding strand, the complement: BACH2 is on the minus strand). VCF-style: chr6-89950854-C-A. GRCh37 (hg19) VCF-style: chr6-90660573-C-A.
Other names: c.1252G>T, p.Ala418Ser (NM_001170794.2); short protein forms A418S.
Identifiers: ClinVar variation 1425343 (VCV001425343.6), dbSNP rs34335140, ClinGen allele CA365071233.